The following is an entry in ClinVar:

NM_000548.5(TSC2):c.4493+3G>C

Gene: TSC2 (TSC complex subunit 2; plus strand). Cytogenetic location: 16p13.3.
Variant type: single nucleotide variant.
Coding change: c.4493+3G>C on transcript NM_000548.5 (MANE Select); 3 bases into the intron after coding-DNA position 4493, G replaced by C.
Molecular consequence: intron variant.
Genome position (GRCh38, 1-based): chr16:2,084,718, G>C. VCF-style: chr16-2084718-G-C. GRCh37 (hg19) VCF-style: chr16-2134719-G-C.
Other names: c.4424+3G>C (NM_001114382.3); c.4364+3G>C (NM_021055.3, NM_001370405.1); c.4295+3G>C (NM_001363528.2); c.4361+3G>C (NM_001370404.1); c.4292+3G>C (NM_001077183.3); c.4184+3G>C (NM_001318827.2); c.3761+3G>C (NM_001318831.2); c.4148+3G>C (NM_001318829.2); and 1 more.
Identifiers: ClinVar variation 2413990 (VCV002413990.6), dbSNP rs1259786285, ClinGen allele CA2575877538.

ClinVar aggregate classification (germline): Uncertain significance (1 of 4 stars; one submission).

Conditions:
Tuberous sclerosis 2 (TSC2). Identifiers: Orphanet 805, MedGen C1860707, MONDO:0013199, OMIM 613254.

gnomAD v4.1: 2 of 1,598,460 alleles (0.00013%); highest among the groups gnomAD compares: Non-Finnish European, 0.00017%; no homozygotes.

Submission:

Labcorp Genetics (formerly Invitae), Labcorp
Classification: Uncertain significance for Tuberous sclerosis 2. Last evaluated: 2022-07-21. Review status: criteria provided, single submitter. Criteria: Invitae Variant Classification Sherloc (09022015). Collection method: clinical testing. Allele origin: germline.
Comment: This sequence change falls in intron 34 of the TSC2 gene. It does not directly change the encoded amino acid sequence of the TSC2 protein. It affects a nucleotide within the consensus splice site. This variant is not present in population databases (gnomAD no frequency). This variant has not been reported in the literature in individuals affected with TSC2-related conditions. Variants that disrupt the consensus splice site are a relatively common cause of aberrant splicing (PMID: 17576681, 9536098). Algorithms developed to predict the effect of sequence changes on RNA splicing suggest that this variant is not likely to affect RNA splicing. In summary, the available evidence is currently insufficient to determine the role of this variant in disease. Therefore, it has been classified as a Variant of Uncertain Significance.

Literature cited by the submitters: PubMed 17576681; PubMed 9536098.